The following is an entry in ClinVar:

ClinVar aggregate classification (germline): Uncertain significance. Review status: criteria provided, multiple submitters, no conflicts (2 of 4 stars). 3 submissions from 3 submitters: Uncertain significance (3). Last evaluated 2025-12-06.

Conditions:
Hereditary cancer-predisposing syndrome. Also called: Neoplastic Syndromes, Hereditary; Hereditary neoplastic syndrome; Hereditary Cancer Syndrome; Tumor predisposition. Identifiers: Orphanet 140162, MedGen C0027672, MeSH D009386, MONDO:0015356.
POLD1-related polyposis and colorectal cancer syndrome (CRCS10). Also called: Colorectal cancer, susceptibility to, 10; Colorectal cancer 10; COLORECTAL CANCER, SUSCEPTIBILITY TO, ON CHROMOSOME 19q. Identifiers: Orphanet 220460, MedGen C2675481, MONDO:0012953, OMIM 612591.

Submissions (3):

Labcorp Genetics (formerly Invitae), Labcorp
Classification: Uncertain significance for POLD1-related polyposis and colorectal cancer syndrome. Last evaluated: 2025-12-06. Review status: criteria provided, single submitter. Criteria: Invitae Variant Classification Sherloc (09022015). Collection method: clinical testing. Allele origin: germline.
Comment: This variant, c.2612_2623del, results in the deletion of 4 amino acid(s) of the POLD1 protein (p.Leu871_Asn874del), but otherwise preserves the integrity of the reading frame. This variant is not present in population databases (gnomAD no frequency). This variant has not been reported in the literature in individuals affected with POLD1-related conditions. ClinVar contains an entry for this variant (Variation ID: 407946). In summary, the available evidence is currently insufficient to determine the role of this variant in disease. Therefore, it has been classified as a Variant of Uncertain Significance.

GeneDx
Classification: Uncertain significance. Last evaluated: 2022-12-21. Review status: criteria provided, single submitter. Criteria: GeneDx Variant Classification Process June 2021. Collection method: clinical testing. Allele origin: germline. Affected: yes.
Comment: In-frame deletion of 4 amino acids in a non-repeat region; Not observed at significant frequency in large population cohorts (gnomAD); In silico analysis supports that this variant does not alter protein structure/function; Has not been previously published as pathogenic or benign to our knowledge

Ambry Genetics
Classification: Uncertain significance for Hereditary cancer-predisposing syndrome. Last evaluated: 2020-06-25. Review status: criteria provided, single submitter. Criteria: Ambry Variant Classification Scheme 2023. Collection method: clinical testing. Allele origin: germline.
Comment: The c.2612_2623del12 variant (also known as p.L871_N874del) is located in coding exon 20 of the POLD1 gene. This variant results from an in-frame deletion of 12 nucleotides at positions 2612 to 2623. This results in the in-frame deletion of 4 amino acid residues at codons 871 to 874. This amino acid region is highly conserved in available vertebrate species. In addition, this alteration is predicted to be deleterious by in silico analysis (Choi Y et al. PLoS ONE. 2012; 7(10):e46688). Since supporting evidence is limited at this time, the clinical significance of this alteration remains unclear.

NM_002691.4(POLD1):c.2612_2623del (p.Leu871_Asn874del)

Gene: POLD1 (DNA polymerase delta 1, catalytic subunit; plus strand). Cytogenetic location: 19q13.33.
Variant type: Deletion.
Coding change: c.2612_2623del on transcript NM_002691.4 (MANE Select); coding-DNA positions 2612 to 2623, 12 bases deleted (TGCTGTGCAACC).
Protein change: p.Leu871_Asn874del.
Molecular consequence: inframe deletion. On other transcripts: non-coding transcript variant (1).
Genome position (GRCh38, 1-based): chr19:50,415,485-50,415,496, TGCTGTGCAACC deleted; deleting any 12 consecutive bases within chr19:50,415,482-50,415,496 gives the same sequence; the c. name uses the placement nearest the transcript's 3' end. VCF-style (leftmost placement, unchanged base first): chr19-50415481-GACCTGCTGTGCA-G. GRCh37 (hg19) VCF-style: chr19-50918738-GACCTGCTGTGCA-G.
Other names: c.2612_2623delTGCTGTGCAACC (NM_002691.3); c.2612_2623del, p.Leu871_Asn874del (NM_001256849.1); c.2690_2701del, p.Leu897_Asn900del (NM_001308632.1); c.2612_2623del (NM_002691.3).
Identifiers: ClinVar variation 407946 (VCV000407946.12), dbSNP rs1064792943, ClinGen allele CA16616176.